The following continues an entry in ClinVar:

NM_000038.6(APC):c.3920T>A (p.Ile1307Lys)

Gene: APC. ClinVar aggregate classification (germline): Conflicting classifications of pathogenicity; association; risk factor. Pathogenic (6); Likely pathogenic (9); Pathogenic, low penetrance (1); Established risk allele (6); Uncertain significance (12).

Submissions 45 to 53 of 60:

Medical Genetics Laboratory, Umraniye Training and Research Hospital, University of Health Sciences
Classification: Uncertain significance for Breast carcinoma. Last evaluated: 2021-08-09. Review status: no assertion criteria provided. Collection method: clinical testing. Allele origin: germline. Inheritance: Autosomal dominant inheritance. Affected: yes. Observed: 1 variant allele, 1 heterozygote. Not counted in ClinVar's aggregate classification.
Comment: Diagnosis: Breast Cancer Pathology: Invasive breast carcinoma(NST) IHC: ER:+ , PR:+ , HER2:+ , KI67:%20

True Health Diagnostics
Classification: risk factor for Hereditary cancer-predisposing syndrome. Last evaluated: 2017-11-10. Review status: no assertion criteria provided. Collection method: clinical testing. Allele origin: germline. Not counted in ClinVar's aggregate classification.

Counsyl
Classification: Likely pathogenic for Familial adenomatous polyposis 1. Last evaluated: 2016-09-27. Review status: no assertion criteria provided. Collection method: clinical testing. Allele origin: unknown. Not counted in ClinVar's aggregate classification.
Comment: I1307K is associated with a 10-20% lifetime risk of developing colon cancer in individuals of Ashkenazi Jewish ancestry and is not known to cause classic or attenuated FAP. This submission and the accompanying classification are no longer maintained by the submitter.

ITMI
No classification provided. Condition: AllHighlyPenetrant. Last evaluated: 2013-09-19. Review status: no classification provided. Collection method: reference population. Allele origin: germline. Not counted in ClinVar's aggregate classification.
Comment: Please see associated publication for description of ethnicities

Biesecker Lab/Clinical Genomics Section, National Institutes of Health
Classification: Uncertain significance. Last evaluated: 2012-07-13. Review status: no assertion criteria provided. Collection method: research. Allele origin: germline. Affected: no. Observed: 5 variant alleles. Study: ClinSeq. Not counted in ClinVar's aggregate classification.
ClinVar note: Converted during submission from variant of unknown significance to Uncertain significance.

OMIM
Classification: risk factor for BREAST CANCER, SUSCEPTIBILITY TO. Last evaluated: 2003-12-01. Review status: no assertion criteria provided. Collection method: literature only. Allele origin: unknown. Not counted in ClinVar's aggregate classification.

Clinical Genetics DNA and cytogenetics Diagnostics Lab, Erasmus MC, Erasmus Medical Center
Classification: Uncertain significance. Review status: no assertion criteria provided. Collection method: clinical testing. Allele origin: germline. Affected: yes. Study: VKGL Data-share Consensus. Not counted in ClinVar's aggregate classification.

Clinical Genetics, Academic Medical Center
Classification: Uncertain significance. Review status: no assertion criteria provided. Collection method: clinical testing. Allele origin: germline. Affected: yes. Study: VKGL Data-share Consensus. Not counted in ClinVar's aggregate classification.

Department of Pathology and Laboratory Medicine, Sinai Health System
Classification: Uncertain significance for Familial adenomatous polyposis 1. Review status: no assertion criteria provided. Collection method: clinical testing. Allele origin: unknown. Affected: yes. Study: The Canadian Open Genetics Repository (COGR). Not counted in ClinVar's aggregate classification.
Comment: The APC c.3920T>A (p.Ile1307Lys) variant was identified in 6 of 812 proband chromosomes (frequency: 0.007) from individuals or families with colorectal cancer and was present in 16 of 286 control chromosomes (frequency: 0.056) from healthy individuals (Fraying 1998, Nielsen 2005, Yantiss 2009). The p.Ile1307Lys variant was also identified in dbSNP (ID: rs1801155) as “With Pathogenic allele”; in NHLBI Exome Sequencing Project (Exome Variant Server), the variant was identified in 14 of 8600 European American alleles and was not found in 4404 African American alleles. In the Exome Aggregation Consortium database, the variant was identified 205 of 121054 chromosomes (frequency: 0.002), including 177 of 66620 alleles of European (Non-Finnish), 15 of 16502 of South Asian, 10 of 11546 of Latinos and 3 of 906 of Other alleles. The variant was not found in African, East Asian and Finnish populations. In the ClinVar database, the variant was identified by 8 submitters with conflicting classifications: classified as pathogenic by GeneReviews and by Ambry Genetics, (who used as assertion method the Ambry Genetics Dominant and X-linked criteria); GeneDx, Invitae, OMIM (2X) classified the variant as Risk Factor; Biesecker Laboratory ClinSeq Project-NHGRI classified the variant as Uncertain significance and ITMI did not provide a classification. The variant was identified in the UMD Colon cancer database and was classified as Neutral; in COSMIC it was identified in an adenocarcinoma tumour of the large intestine. In the InSIGHT database, the variant was identified 10X and classified as a low penetrance risk allele. The p.Ile1307 residue is not conserved in mammals and mouse has a valine at the 1307 position and fish and fruit fly carry the variant 1307Lys amino acid at this position, increasing the likelihood that this variant is benign. Computational analyses (PolyPhen-2, SIFT, AlignGVGD, BLOSUM, MutationTaster) provide inconsistent predictions regarding the impact to the protein; this information is not very predictive of pathogenicity. The variant protein remains perfectly functional, yet the genetic alteration results in a small hypermutable region of DNA that may be prone to somatic mutations (Laken 1997). Several studies suggest that this variant increases risk of colon cancer. Woodage (1998) genotyped 5,081 Ashkenazi volunteers in a community survey, identifying 376 heterozygotes and 2 homozygotes (6.1%) and concluded that APC I1307K carriers have a modestly elevated risk of developing cancer (less than 2-fold). Woodage also emphasized that the large majority of I1307K carriers would not develop cancer of the colon. In addition, Gryfe (1999) identified the APC I1307K allele in 48 (10.1%) of 476 Ashkenazi Jewish subjects with adenomatous polyps and/or colorectal cancer. Compared with the frequency of 2 separate population control groups, the APC I1307K allele was associated with an estimated relative risk of 1.5 to 1.7 for colorectal neoplasia (P = 0.01). Compared with non-carriers, APC I1307K carriers had increased numbers of adenomas and colorectal cancers per patient, as well as a younger age at diagnosis. Fraying (1998), identified this variant in 3 individuals with multiple colonic adenomas, but also identified this variant in 8% of Ashkenazi controls from North London. In the most recent study (Boursi 2013), the variant was analyzed in 3305 Israelis undergoing colonoscopy; clinical data regarding potential risk factors were collected to determine if the p.Ile1307Lys variant was a risk factor in CRC in Ashkenazi Jews. This analysis included the prospective evaluation of 3305 consecutive Israeli subjects. Analysis consisted of high risk and average risk subjects. High risk (n=560) were diagnosed less than 60 years with family or personal history of CRC; Average risk (n=1779) were asymptomatic. It focused on a unique subpopulation of Ashkenazi Jews at average risk for CRC in order to assess the need to modify colonoscopy surveillance among p.I1307K carriers. Overall, the odds ratio for CRC among carriers was 1.51. Among average risk AJ patients the OR was 1.75 (adjusted for other risk factors). A recent meta-analysis of APC polymorphism and colorectal cancer from published data using pooled odds ratios and 95% confidence intervals were calculated by using Comprehensive Meta-Analysis software with a 2-tailed a-value of 0.05. Compared with those who carried the wild-type I1307K, Ashkenazi Jews who carried the I1307K variant were at a significantly increased risk for colorectal neoplasia, with a pooled odds ratio of 2.17 (95% confidence interval: 1.64-2.86)(Liang 2013). The authors suggest that the APC p.I1307K variant is an important risk factor for colorectal neoplasia in Ashkenazi Jews and carriers in this group should be considered for screening colonoscopy at the age of 40, to be repeated every 5 years, similar to recommendations in individuals with family history of colorectal cancer. In summary, based on the above information, the clinical significance of this variant cannot be determined with certainty at this time, although this variant may be a low-penetrance allele that mildly increases the risk of developing colorectal cancer, it is not directly linked to a “polyposis” phenotype. Based on the above information, the clinical significance of this variant cannot be determined with certainty at this time. This variant is classified as a variant of uncertain significance in association with FAP. However, this variant is considered a risk factor for colorectal cancer.